The following is an entry in ClinVar:

NM_015100.4(POGZ):c.1807dup (p.Ser603fs)

Gene: POGZ (pogo transposable element derived with ZNF domain; minus strand). Cytogenetic location: 1q21.3.
Variant type: Duplication.
Coding change: c.1807dup on transcript NM_015100.4 (MANE Select); coding-DNA position 1807, one base duplicated (T; older notation c.1807dupT).
Protein change: p.Ser603fs; shifts the reading frame from serine 603.
Molecular consequence: frameshift variant.
Genome position (GRCh38, 1-based): chr1:151,411,744, A duplicated on the plus strand (T on the coding strand, the reverse complement: POGZ is on the minus strand). VCF-style (leftmost placement, unchanged base first): chr1-151411743-G-GA. GRCh37 (hg19) VCF-style: chr1-151384219-G-GA.
Other names: c.1780dup, p.Ser594fs (NM_001194937.2); c.1621dup, p.Ser541fs (NM_001194938.2); c.1828dup, p.Ser610Phefs (NM_001410860.1); c.1522dup, p.Ser508fs (NM_145796.4); c.1648dup, p.Ser550fs (NM_207171.2); short protein forms S541fs, S594fs, S603fs, S508fs, S550fs.
Identifiers: ClinVar variation 2266404 (VCV002266404.2), dbSNP rs2529275742, ClinGen allele CA2580061014.

ClinVar aggregate classification (germline): Pathogenic (1 of 4 stars; one submission).

Conditions:
Inborn genetic diseases. Identifiers: MedGen C0950123, MeSH D030342.

Submission:

Ambry Genetics
Classification: Pathogenic for Inborn genetic diseases. Last evaluated: 2022-01-31. Review status: criteria provided, single submitter. Criteria: Ambry Variant Classification Scheme 2023. Collection method: clinical testing. Allele origin: germline.
Comment: The c.1807dupT (p.S603Ffs*2) alteration, located in exon 12 (coding exon 11) of the POGZ gene, consists of a duplication of T at position 1807, causing a translational frameshift with a predicted alternate stop codon after 2 amino acids. This alteration is expected to result in loss of function by premature protein truncation or nonsense-mediated mRNA decay. This variant was not reported in population-based cohorts in the Genome Aggregation Database (gnomAD). Based on the available evidence, this alteration is classified as pathogenic.